The following is an entry in ClinVar:

ClinVar aggregate classification (germline): Uncertain significance. Review status: criteria provided, multiple submitters, no conflicts (2 of 4 stars). 4 submissions from 4 submitters: Uncertain significance (3). 1 of the submissions does not count toward it. Last evaluated 2021-10-13.

Conditions:
Neuronal ceroid lipofuscinosis 1 (CLN1). Also called: CEROID LIPOFUSCINOSIS, NEURONAL, 1, VARIABLE AGE AT ONSET; PPT1-Related Neuronal Ceroid-Lipofuscinosis. Identifiers: Orphanet 228329, MedGen C1850451, MONDO:0009744, OMIM 256730.

Allele frequency attached by ClinVar (database versions not stated): gnomAD 0.00001; TOPMed 0.00001; ExAC 0.00002; gnomAD exomes 0.00002 and 0.00006; ESP Exome Variant Server 0.00008.
gnomAD v4.1: 90 of 1,614,048 alleles (0.0056%); highest among the groups gnomAD compares: Non-Finnish European, 0.0072%; no homozygotes.

Submissions (4):

Labcorp Genetics (formerly Invitae), Labcorp
Classification: Uncertain significance for Neuronal ceroid lipofuscinosis 1. Last evaluated: 2021-10-13. Review status: criteria provided, single submitter. Criteria: Invitae Variant Classification Sherloc (09022015). Collection method: clinical testing. Allele origin: germline.
Comment: This sequence change replaces glutamic acid with aspartic acid at codon 254 of the PPT1 protein (p.Glu254Asp). The glutamic acid residue is moderately conserved and there is a small physicochemical difference between glutamic acid and aspartic acid. This variant is present in population databases (rs146002450, ExAC 0.01%). This variant has not been reported in the literature in individuals affected with PPT1-related conditions. ClinVar contains an entry for this variant (Variation ID: 206639). Algorithms developed to predict the effect of missense changes on protein structure and function (SIFT, PolyPhen-2, Align-GVGD) all suggest that this variant is likely to be tolerated. In summary, the available evidence is currently insufficient to determine the role of this variant in disease. Therefore, it has been classified as a Variant of Uncertain Significance.

Illumina Laboratory Services, Illumina
Classification: Uncertain significance for Neuronal ceroid lipofuscinosis 1. Last evaluated: 2018-01-12. Review status: criteria provided, single submitter. Criteria: ICSL Variant Classification Criteria 13 December 2019. Collection method: clinical testing. Allele origin: germline.

GeneDx
Classification: Uncertain significance. Last evaluated: 2014-03-14. Review status: criteria provided, single submitter. Criteria: GeneDx Variant Classification (06012015). Collection method: clinical testing. Allele origin: germline. Affected: yes.
Comment: p.Glu254Asp (GAA>GAC): c.762 A>C in exon 8 of the PPT1 gene (NM_000310.3). The E254D missense change has not been published as a mutation, nor has it been reported as a benign polymorphism to our knowledge. The E254D variant was not observed with any significant frequency in approximately 6500 individuals of European and African American ancestry in the NHLBI Exome Sequencing Project. E254D alters a position that is conserved through mammals and other missense mutations at nearby codons have been reported in association with neuronal ceroid lipofuscinosis (Das et al., 1998). However the amino acid substitution is conservative, which is not likely to impact secondary protein structure as these residues share similar properties. In addition, in-silico algorithms are not consistent in their predictions of whether E254D is damaging to the structure/function of the protein. Therefore, based on the currently available information, it is unclear whether E254D is a disease-causing mutation or a rare benign variant. The variant is found in EPILEPSY panel(s).

Natera, Inc.
Classification: Uncertain significance for Neuronal ceroid lipofuscinosis 1. Last evaluated: 2020-09-16. Review status: no assertion criteria provided. Collection method: clinical testing. Allele origin: germline. Not counted in ClinVar's aggregate classification.

NM_000310.4(PPT1):c.762A>C (p.Glu254Asp)

Gene: PPT1 (palmitoyl-protein thioesterase 1; minus strand). Cytogenetic location: 1p34.2.
Variant type: single nucleotide variant.
Coding change: c.762A>C on transcript NM_000310.4 (MANE Select); coding-DNA position 762, A replaced by C.
Protein change: p.Glu254Asp; replaces glutamic acid 254 with aspartic acid.
Molecular consequence: missense variant. On other transcripts: intron variant (1).
Genome position (GRCh38, 1-based): chr1:40,076,878, T>G on the plus strand (A>C on the coding strand, the complement: PPT1 is on the minus strand). VCF-style: chr1-40076878-T-G. GRCh37 (hg19) VCF-style: chr1-40542550-T-G.
Other names: p.E254D:GAA>GAC; c.453A>C, p.Glu151Asp (NM_001142604.2); c.726+1682A>C (NM_001363695.2); short protein forms E254D, E151D.
Identifiers: ClinVar variation 206639 (VCV000206639.11), dbSNP rs146002450, ClinGen allele CA316916.